The following is an entry in ClinVar:

NM_001101426.4(CRPPA):c.256A>G (p.Arg86Gly)

Gene: CRPPA (CDP-L-ribitol pyrophosphorylase A; minus strand). Cytogenetic location: 7p21.2.
Variant type: single nucleotide variant.
Coding change: c.256A>G on transcript NM_001101426.4 (MANE Select); coding-DNA position 256, A replaced by G.
Protein change: p.Arg86Gly; replaces arginine 86 with glycine.
Molecular consequence: missense variant. On other transcripts: non-coding transcript variant (1).
Genome position (GRCh38, 1-based): chr7:16,421,067, T>C on the plus strand (A>G on the coding strand, the complement: CRPPA is on the minus strand). VCF-style: chr7-16421067-T-C. GRCh37 (hg19) VCF-style: chr7-16460692-T-C.
Other names: c.256A>G, p.Arg86Gly (NM_001101417.4, NM_001368197.1); short protein forms R86G.
Identifiers: ClinVar variation 3896829 (VCV003896829.1).

ClinVar aggregate classification (germline): Uncertain significance (1 of 4 stars; one submission).

Conditions:
Autosomal recessive limb-girdle muscular dystrophy type 2U. Also called: Muscular dystrophy-dystroglycanopathy (limb-girdle), type c, 7; MUSCULAR DYSTROPHY, LIMB-GIRDLE, TYPE 2U. Identifiers: Orphanet 352479, MedGen C5190987, MONDO:0014474, OMIM 616052.

gnomAD v4.1: 1 of 1,266,660 alleles (0.000079%); highest among the groups gnomAD compares: Non-Finnish European, 0.0001%; no homozygotes.

Submission:

Kariminejad - Najmabadi Pathology & Genetics Center
Classification: Uncertain significance for Autosomal recessive limb-girdle muscular dystrophy type 2U. Last evaluated: 2023-07-05. Review status: criteria provided, single submitter. Criteria: ACMG Guidelines, 2015. Collection method: clinical testing. Allele origin: germline. Inheritance: Autosomal recessive inheritance. Affected: yes.
Comment: PP3,PM2